The following is an entry in ClinVar:

NM_007294.4(BRCA1):c.2940del (p.Pro981fs)

Gene: BRCA1 (BRCA1 DNA repair associated; minus strand). Cytogenetic location: 17q21.31.
Variant type: Deletion.
Coding change: c.2940del on transcript NM_007294.4 (MANE Select); coding-DNA position 2940, one base deleted (A; older notation c.2940delA).
Protein change: p.Pro981fs; shifts the reading frame from proline 981.
Molecular consequence: frameshift variant. On other transcripts: intron variant (137).
Genome position (GRCh38, 1-based): chr17:43,092,591, T deleted on the plus strand (A on the coding strand, the reverse complement: BRCA1 is on the minus strand). VCF-style (leftmost placement, unchanged base first): chr17-43092590-GT-G. GRCh37 (hg19) VCF-style: chr17-41244607-GT-G.
Other names: 3059delA; c.2727del, p.Pro910fs (NM_001407571.1, NM_001407853.1, NM_001407894.1 and 9 more transcripts); c.2940del, p.Pro981fs (NM_001407581.1, NM_001407582.1, NM_001407583.1 and 30 more transcripts); c.2937del, p.Pro980fs (NM_001407587.1, NM_001407590.1, NM_001407591.1 and 22 more transcripts); c.2931del, p.Pro978fs (NM_001407646.1, NM_001407647.1); c.2817del, p.Pro940fs (NM_001407648.1, NM_001407664.1, NM_001407665.1 and 19 more transcripts); c.2814del, p.Pro939fs (NM_001407649.1, NM_001407670.1, NM_001407671.1 and 11 more transcripts); c.2862del, p.Pro955fs (NM_001407653.1, NM_001407654.1, NM_001407655.1 and 4 more transcripts); and 42 more; short protein forms P934fs, P981fs, P813fs, P892fs, P685fs, P854fs, P869fs, P853fs.
Identifiers: ClinVar variation 91603 (VCV000091603.43), dbSNP rs80357876, ClinGen allele CA001921.

ClinVar aggregate classification (germline): Pathogenic. Review status: reviewed by expert panel (3 of 4 stars). 15 submissions from 15 submitters: Pathogenic (1). 14 of the submissions do not count toward it. Last evaluated 2016-09-08.

Conditions:
Hereditary cancer-predisposing syndrome. Also called: Hereditary Cancer Syndrome; Hereditary neoplastic syndrome; Neoplastic Syndromes, Hereditary; Tumor predisposition. Identifiers: Orphanet 140162, MedGen C0027672, MeSH D009386, MONDO:0015356.
Hereditary breast ovarian cancer syndrome. Also called: BRCA1- and BRCA2-Associated Hereditary Breast and Ovarian Cancer; Hereditary breast and ovarian cancer syndrome; Hereditary breast and ovarian cancer syndrome (HBOC); Breast and ovarian cancer; Hereditary breast and/or ovarian cancer syndrome; Hereditary breast and ovarian cancer. Identifiers: Orphanet 145, MedGen C0677776, MeSH D061325, MONDO:0003582. Disease mechanism: loss of function.
Breast-ovarian cancer, familial, susceptibility to, 1 (BROVCA1). Also called: BRCA1 Hereditary Breast and Ovarian Cancer; OVARIAN CANCER, SUSCEPTIBILITY TO. Identifiers: Orphanet 145, MedGen C2676676, MONDO:0011450, OMIM 604370. Disease mechanism: loss of function.

Submissions 1 to 9 of 15:

Evidence-based Network for the Interpretation of Germline Mutant Alleles (ENIGMA)
Classification: Pathogenic for Breast-ovarian cancer, familial, susceptibility to, 1. Last evaluated: 2016-09-08. Review status: reviewed by expert panel. Criteria: ENIGMA BRCA1/2 Classification Criteria (2015). Collection method: curation. Allele origin: germline.
Comment: Variant allele predicted to encode a truncated non-functional protein.

Labcorp Genetics (formerly Invitae), Labcorp
Classification: Pathogenic for Hereditary breast ovarian cancer syndrome. Last evaluated: 2025-10-06. Review status: criteria provided, single submitter. Criteria: Invitae Variant Classification Sherloc (09022015). Collection method: clinical testing. Allele origin: germline. Not counted in ClinVar's aggregate classification.
Comment: This sequence change creates a premature translational stop signal (p.Pro981Hisfs*19) in the BRCA1 gene. It is expected to result in an absent or disrupted protein product. Loss-of-function variants in BRCA1 are known to be pathogenic (PMID: 20104584). This variant is not present in population databases (gnomAD no frequency). This premature translational stop signal has been observed in individual(s) with epithelial ovarian cancer (PMID: 24728189). This variant is also known as 3059delA. ClinVar contains an entry for this variant (Variation ID: 91603). For these reasons, this variant has been classified as Pathogenic.

Color Diagnostics, LLC DBA Color Health
Classification: Pathogenic for Hereditary cancer-predisposing syndrome. Last evaluated: 2025-06-23. Review status: criteria provided, single submitter. Criteria: ACMG Guidelines, 2015. Collection method: clinical testing. Allele origin: germline. Not counted in ClinVar's aggregate classification.
Comment: This variant deletes 1 nucleotide in exon 10 of the BRCA1 gene, creating a frameshift and premature translation stop signal. This variant is expected to result in an absent or non-functional protein product. This variant has been reported in two individuals affected with ovarian cancer (PMID: 24240112, 24728189) and has been identified in 2 families among the CIMBA participants (PMID: 29446198). This variant has not been identified in the general population by the Genome Aggregation Database (gnomAD). Loss of BRCA1 function is a known mechanism of disease. Based on the available evidence, this variant is classified as Pathogenic.

Ambry Genetics
Classification: Pathogenic for Hereditary cancer-predisposing syndrome. Last evaluated: 2025-04-16. Review status: criteria provided, single submitter. Criteria: Ambry Variant Classification Scheme 2023. Collection method: clinical testing. Allele origin: germline. Not counted in ClinVar's aggregate classification.
Comment: The c.2940delA pathogenic mutation, located in coding exon 9 of the BRCA1 gene, results from a deletion of one nucleotide at nucleotide position 2940, causing a translational frameshift with a predicted alternate stop codon (p.P981Hfs*19). In one study, this alteration was identified in an individual with serous ovarian cancer (Pennington KP et al. Clin. Cancer Res. 2014 Feb;20(3):764-75). In a case control study, this alteration was detected in 1/2222 individuals with invasive epithelial ovarian cancer and 0/1528 matched controls. (Song H et al. Hum. Mol. Genet., 2014 Sep;23:4703-9). This alteration was also identified in a large, worldwide study of BRCA1/2 mutation positive families (Rebbeck TR et al. Hum. Mutat., 2018 05;39:593-620). Of note, this alteration is also known as 3059delA in published literature. This variant is considered to be rare based on population cohorts in the Genome Aggregation Database (gnomAD). In addition to the clinical data presented in the literature, this alteration is expected to result in loss of function by premature protein truncation or nonsense-mediated mRNA decay. As such, this alteration is interpreted as a disease-causing mutation.

Baylor Genetics
Classification: Pathogenic for Breast-ovarian cancer, familial, susceptibility to, 1. Last evaluated: 2024-02-20. Review status: criteria provided, single submitter. Criteria: ACMG Guidelines, 2015. Collection method: clinical testing. Allele origin: unknown. Not counted in ClinVar's aggregate classification.

Quest Diagnostics Nichols Institute San Juan Capistrano
Classification: Pathogenic. Last evaluated: 2024-01-15. Review status: criteria provided, single submitter. Criteria: Quest Diagnostics criteria. Collection method: clinical testing. Allele origin: unknown. Not counted in ClinVar's aggregate classification.
Comment: The BRCA1 c.2940del (p.Pro981Hisfs*19) variant alters the translational reading frame of the BRCA1 mRNA and causes the premature termination of BRCA1 protein synthesis. This variant has been reported in the published literature in individuals with ovarian cancer (PMIDs: 28888541 (2017), 24728189 (2014), 24240112 (2014)), and observed in a screening study of families with BRCA1 and BRCA2 pathogenic variants (PMID: 29446198 (2018)). This variant has not been reported in large, multi-ethnic general populations (Genome Aggregation Database). Based on the available information, this variant is classified as pathogenic.

GeneDx
Classification: Pathogenic. Last evaluated: 2023-05-12. Review status: criteria provided, single submitter. Criteria: GeneDx Variant Classification Process June 2021. Collection method: clinical testing. Allele origin: germline. Affected: yes. Not counted in ClinVar's aggregate classification.
Comment: Frameshift variant predicted to result in protein truncation or nonsense mediated decay in a gene for which loss of function is a known mechanism of disease; Not observed at significant frequency in large population cohorts (gnomAD); Observed in individuals with a personal or family history consistent with pathogenic variants in this gene (Pennington et al., 2014; Song et al., 2014; Lilyquist et al., 2017); Truncating variants in this gene are considered pathogenic by a well-established clinical consortium and/or database; Also known as 3059delA; This variant is associated with the following publications: (PMID: 16267036, 24240112, 24728189, 28152038, 31853058, 29446198, 20104584, 28888541)

All of Us Research Program, National Institutes of Health
Classification: Pathogenic for Breast-ovarian cancer, familial, susceptibility to, 1. Last evaluated: 2023-03-02. Review status: criteria provided, single submitter. Criteria: ACMG Guidelines, 2015. Collection method: clinical testing. Allele origin: germline. Inheritance: Autosomal dominant inheritance. Observed: 1 variant allele, 1 heterozygote. Not counted in ClinVar's aggregate classification.
Comment: This variant deletes 1 nucleotide in exon 10 of the BRCA1 gene, creating a frameshift and premature translation stop signal. This variant is expected to result in an absent or non-functional protein product. This variant has been reported in two individuals affected with ovarian cancer (PMID: 24240112, 24728189) and has been identified in 2 families among the CIMBA participants (PMID: 29446198). This variant has not been identified in the general population by the Genome Aggregation Database (gnomAD). Loss of BRCA1 function is a known mechanism of disease. Based on the available evidence, this variant is classified as Pathogenic.

This study involves interpretation of variants in research participants for the purpose of population health screening. Participant phenotype was not available at the time of variant classification. Additional details can be found in publication PMID: 35346344, PMCID: PMC8962531

Revvity Omics, Revvity
Classification: Pathogenic. Last evaluated: 2022-10-31. Review status: criteria provided, single submitter. Criteria: ACMG Guidelines, 2015. Collection method: clinical testing. Allele origin: germline. Not counted in ClinVar's aggregate classification.